The following is an entry in ClinVar:

NM_001035.3(RYR2):c.14201A>G (p.Tyr4734Cys)

Gene: RYR2 (ryanodine receptor 2; plus strand). Cytogenetic location: 1q43.
Variant type: single nucleotide variant.
Coding change: c.14201A>G on transcript NM_001035.3 (MANE Select); coding-DNA position 14201, A replaced by G.
Protein change: p.Tyr4734Cys; replaces tyrosine 4734 with cysteine.
Molecular consequence: missense variant.
Genome position (GRCh38, 1-based): chr1:237,806,186, A>G. VCF-style: chr1-237806186-A-G. GRCh37 (hg19) VCF-style: chr1-237969486-A-G.
Other names: short protein forms Y4734C.
Identifiers: ClinVar variation 960225 (VCV000960225.7), dbSNP rs1660616083, ClinGen allele CA345422872.

ClinVar aggregate classification (germline): Uncertain significance. Review status: criteria provided, multiple submitters, no conflicts (2 of 4 stars). 2 submissions from 2 submitters: Uncertain significance (2). Last evaluated 2023-11-09.

Conditions:
Cardiovascular phenotype. Identifiers: MedGen CN230736.
Catecholaminergic polymorphic ventricular tachycardia 1. Also called: VENTRICULAR TACHYCARDIA, CATECHOLAMINERGIC POLYMORPHIC, 1, WITH OR WITHOUT ATRIAL DYSFUNCTION AND/OR DILATED CARDIOMYOPATHY; VENTRICULAR TACHYCARDIA, STRESS-INDUCED POLYMORPHIC 1; RYR2-Related Catecholaminergic Polymorphic Ventricular Tachycardia. Identifiers: Orphanet 3286, MedGen C1631597, MONDO:0011484, OMIM 604772.

gnomAD v4.1: 4 of 1,613,590 alleles (0.00025%); highest among the groups gnomAD compares: Non-Finnish European, 0.00034%; no homozygotes.

Submissions (2):

Labcorp Genetics (formerly Invitae), Labcorp
Classification: Uncertain significance for Catecholaminergic polymorphic ventricular tachycardia 1. Last evaluated: 2023-11-09. Review status: criteria provided, single submitter. Criteria: Invitae Variant Classification Sherloc (09022015). Collection method: clinical testing. Allele origin: germline.
Comment: This sequence change replaces tyrosine, which is neutral and polar, with cysteine, which is neutral and slightly polar, at codon 4734 of the RYR2 protein (p.Tyr4734Cys). This variant is not present in population databases (gnomAD no frequency). This variant has not been reported in the literature in individuals affected with RYR2-related conditions. ClinVar contains an entry for this variant (Variation ID: 960225). Advanced modeling of protein sequence and biophysical properties (such as structural, functional, and spatial information, amino acid conservation, physicochemical variation, residue mobility, and thermodynamic stability) performed at Invitae indicates that this missense variant is expected to disrupt RYR2 protein function with a positive predictive value of 95%. In summary, the available evidence is currently insufficient to determine the role of this variant in disease. Therefore, it has been classified as a Variant of Uncertain Significance.

Ambry Genetics
Classification: Uncertain significance for Cardiovascular phenotype. Last evaluated: 2020-11-17. Review status: criteria provided, single submitter. Criteria: Ambry Variant Classification Scheme 2023. Collection method: clinical testing. Allele origin: germline.
Comment: The p.Y4734C variant (also known as c.14201A>G), located in coding exon 99 of the RYR2 gene, results from an A to G substitution at nucleotide position 14201. The tyrosine at codon 4734 is replaced by cysteine, an amino acid with highly dissimilar properties. This amino acid position is well conserved in available vertebrate species. In addition, this alteration is predicted to be deleterious by in silico analysis. Since supporting evidence is limited at this time, the clinical significance of this alteration remains unclear.